The following is an entry in ClinVar:

NM_144687.4(NLRP12):c.499T>A (p.Ser167Thr)

Gene: NLRP12 (NLR family pyrin domain containing 12; minus strand). Cytogenetic location: 19q13.42.
Variant type: single nucleotide variant.
Coding change: c.499T>A on transcript NM_144687.4 (MANE Select); coding-DNA position 499, T replaced by A.
Protein change: p.Ser167Thr; replaces serine 167 with threonine.
Molecular consequence: missense variant.
Genome position (GRCh38, 1-based): chr19:53,811,160, A>T on the plus strand (T>A on the coding strand, the complement: NLRP12 is on the minus strand). VCF-style: chr19-53811160-A-T. GRCh37 (hg19) VCF-style: chr19-54314414-A-T.
Other names: c.499T>A, p.Ser167Thr (NM_001277126.2, NM_001277129.1); short protein forms S167T.
Identifiers: ClinVar variation 3641736 (VCV003641736.2).
Genomic context (GRCh38, chr19:53,811,160, plus strand): 5'-CGGTCCTCGCGTGTCCCCGGCCTGTGTCCAGAAGCTGCTGCTGGACCTGCATGGGGTTTG[A>T]GTGCTCCTTCACCAGCAGGAGCCGGGTGTACCGGTGGCTGAGGTTGACACATTCCCCTAG-3'
Protein context (NP_653288.1, residues 157-177): YTRLLLVKEH[Ser167Thr]NPMQVQQQLL

ClinVar aggregate classification (germline): Uncertain significance (1 of 4 stars; one submission).

Conditions:
Familial cold autoinflammatory syndrome 2 (FCAS2). Identifiers: Orphanet 247868, MedGen C2673198, MONDO:0012724, OMIM 611762.

Submission:

Labcorp Genetics (formerly Invitae), Labcorp
Classification: Uncertain significance for Familial cold autoinflammatory syndrome 2. Last evaluated: 2024-02-17. Review status: criteria provided, single submitter. Criteria: Invitae Variant Classification Sherloc (09022015). Collection method: clinical testing. Allele origin: germline.
Comment: This sequence change replaces serine, which is neutral and polar, with threonine, which is neutral and polar, at codon 167 of the NLRP12 protein (p.Ser167Thr). This variant is not present in population databases (gnomAD no frequency). This variant has not been reported in the literature in individuals affected with NLRP12-related conditions. An algorithm developed to predict the effect of missense changes on protein structure and function (PolyPhen-2) suggests that this variant is likely to be tolerated. In summary, the available evidence is currently insufficient to determine the role of this variant in disease. Therefore, it has been classified as a Variant of Uncertain Significance.